The following is an entry in ClinVar:

NM_001164277.2(SLC37A4):c.381+1G>A

Gene: SLC37A4 (solute carrier family 37 member 4; minus strand). Cytogenetic location: 11q23.3.
Variant type: single nucleotide variant.
Coding change: c.381+1G>A on transcript NM_001164277.2 (MANE Select); the canonical splice donor site of the intron after coding-DNA position 381, G replaced by A.
Molecular consequence: splice donor variant.
Genome position (GRCh38, 1-based): chr11:119,028,193, C>T on the plus strand (G>A on the coding strand, the complement: SLC37A4 is on the minus strand). VCF-style: chr11-119028193-C-T. GRCh37 (hg19) VCF-style: chr11-118898903-C-T.
Other names: c.162+1G>A (NM_001164279.2); c.381+1G>A (NM_001467.6, NM_001164278.2, NM_001164280.2).
Identifiers: ClinVar variation 189028 (VCV000189028.6), dbSNP rs786204637, ClinGen allele CA274287.

ClinVar aggregate classification (germline): Pathogenic. Review status: criteria provided, single submitter (1 of 4 stars). 2 submissions from 2 submitters: Pathogenic (1). 1 of the submissions does not count toward it. Last evaluated 2023-07-07.

Conditions:
Glucose-6-phosphate transport defect (GSD1B). Also called: Glycogen Storage Disease Type Ib; GSD Ib. Identifiers: Orphanet 364, Orphanet 79259, MedGen C0268146, MONDO:0009288, OMIM 232220.

Submissions (2):

Labcorp Genetics (formerly Invitae), Labcorp
Classification: Pathogenic for Glucose-6-phosphate transport defect. Last evaluated: 2023-07-07. Review status: criteria provided, single submitter. Criteria: Invitae Variant Classification Sherloc (09022015). Collection method: clinical testing. Allele origin: germline.
Comment: For these reasons, this variant has been classified as Pathogenic. Algorithms developed to predict the effect of sequence changes on RNA splicing suggest that this variant may disrupt the consensus splice site. ClinVar contains an entry for this variant (Variation ID: 189028). Disruption of this splice site has been observed in individual(s) with autosomal recessive glycogen storage disease type I (PMID: 10482962). In at least one individual the data is consistent with being in trans (on the opposite chromosome) from a pathogenic variant. This variant is not present in population databases (gnomAD no frequency). This sequence change affects a donor splice site in intron 4 of the SLC37A4 gene. It is expected to disrupt RNA splicing. Variants that disrupt the donor or acceptor splice site typically lead to a loss of protein function (PMID: 16199547), and loss-of-function variants in SLC37A4 are known to be pathogenic (PMID: 9758626, 10940311).

Counsyl
Classification: Likely pathogenic for Glucose-6-phosphate transport defect. Last evaluated: 2014-10-21. Review status: no assertion criteria provided. Collection method: literature only. Allele origin: unknown. Inheritance: Autosomal recessive inheritance. Not counted in ClinVar's aggregate classification.

Literature cited by the submitters: PubMed 10482962 (cited by Labcorp Genetics (formerly Invitae), Labcorp); PubMed 16199547 (cited by Labcorp Genetics (formerly Invitae), Labcorp); PubMed 9758626 (cited by Labcorp Genetics (formerly Invitae), Labcorp); PubMed 10940311 (cited by Labcorp Genetics (formerly Invitae), Labcorp); PubMed 21575371 (cited by Counsyl).